The following is an entry in ClinVar:

NM_006006.6(ZBTB16):c.565A>G (p.Thr189Ala)

Gene: ZBTB16 (zinc finger and BTB domain containing 16; plus strand). Cytogenetic location: 11q23.2.
Variant type: single nucleotide variant.
Coding change: c.565A>G on transcript NM_006006.6 (MANE Select); coding-DNA position 565, A replaced by G.
Protein change: p.Thr189Ala; replaces threonine 189 with alanine.
Molecular consequence: missense variant.
Genome position (GRCh38, 1-based): chr11:114,063,865, A>G. VCF-style: chr11-114063865-A-G. GRCh37 (hg19) VCF-style: chr11-113934587-A-G.
Other names: c.565A>G, p.Thr189Ala (NM_001018011.3, NM_001354750.2, NM_001354751.2 and 1 more transcripts); short protein forms T189A.
Identifiers: ClinVar variation 3053037 (VCV003053037.2), dbSNP rs111746546, ClinGen allele CA6285050.

ClinVar aggregate classification (germline): Likely benign (0 of 4 stars; one submission).

Conditions:
ZBTB16-related disorder. Also called: ZBTB16-related condition.

Allele frequency attached by ClinVar (database versions not stated): ESP Exome Variant Server 0.00008; gnomAD exomes 0.00017; ExAC 0.00028; gnomAD 0.00034; TOPMed 0.00049.
gnomAD v4.1: 314 of 1,614,112 alleles (0.019%); highest among the groups gnomAD compares: Admixed American, 0.18%; 1 homozygote.

Submission:

PreventionGenetics, part of Exact Sciences
Classification: Likely benign for ZBTB16-related condition. Last evaluated: 2022-04-01. Review status: no assertion criteria provided. Collection method: clinical testing. Allele origin: germline.
Comment: This variant is classified as likely benign based on ACMG/AMP sequence variant interpretation guidelines (Richards et al. 2015 PMID: 25741868, with internal and published modifications).